The following is an entry in ClinVar:

NM_000083.3(CLCN1):c.1433C>T (p.Pro478Leu)

Gene: CLCN1 (chloride voltage-gated channel 1; plus strand). Cytogenetic location: 7q34.
Variant type: single nucleotide variant.
Coding change: c.1433C>T on transcript NM_000083.3 (MANE Select); coding-DNA position 1433, C replaced by T.
Protein change: p.Pro478Leu; replaces proline 478 with leucine.
Molecular consequence: missense variant. On other transcripts: non-coding transcript variant (1).
Genome position (GRCh38, 1-based): chr7:143,339,284, C>T. VCF-style: chr7-143339284-C-T. GRCh37 (hg19) VCF-style: chr7-143036377-C-T.
Other names: short protein forms P478L.
Identifiers: ClinVar variation 2950601 (VCV002950601.1), dbSNP rs2487082620, ClinGen allele CA369645335.

ClinVar aggregate classification (germline): Uncertain significance (1 of 4 stars; one submission).

Conditions:
Congenital myotonia, autosomal dominant form (THD). Also called: THOMSEN DISEASE; Myotonia congenita autosomal dominant. Identifiers: Orphanet 614, MedGen C2936781, MONDO:0008055, OMIM 160800.
Congenital myotonia, autosomal recessive form. Also called: BECKER DISEASE; Becker Generalized Myotonia; myotonia congenita, autosomal recessive. Identifiers: Orphanet 614, MedGen C0751360, MONDO:0009715, OMIM 255700.

Submission:

Labcorp Genetics (formerly Invitae), Labcorp
Classification: Uncertain significance for Congenital myotonia, autosomal recessive form; Congenital myotonia, autosomal dominant form. Last evaluated: 2023-08-08. Review status: criteria provided, single submitter. Criteria: Invitae Variant Classification Sherloc (09022015). Collection method: clinical testing. Allele origin: germline.
Comment: This sequence change replaces proline, which is neutral and non-polar, with leucine, which is neutral and non-polar, at codon 478 of the CLCN1 protein (p.Pro478Leu). This variant is not present in population databases (gnomAD no frequency). This variant has not been reported in the literature in individuals affected with CLCN1-related conditions. Advanced modeling of protein sequence and biophysical properties (such as structural, functional, and spatial information, amino acid conservation, physicochemical variation, residue mobility, and thermodynamic stability) performed at Invitae indicates that this missense variant is expected to disrupt CLCN1 protein function. In summary, the available evidence is currently insufficient to determine the role of this variant in disease. Therefore, it has been classified as a Variant of Uncertain Significance.